The following continues an entry in ClinVar:

NM_005343.4(HRAS):c.37G>T (p.Gly13Cys)

ClinVar aggregate classification (germline): Pathogenic. Pathogenic (1). ClinVar aggregate classification (somatic clinical impact): Tier I - Strong.

Submissions 11 to 24 of 24:

GeneDx
Classification: Pathogenic. Last evaluated: 2022-06-21. Review status: criteria provided, single submitter. Criteria: GeneDx Variant Classification Process June 2021. Collection method: clinical testing. Allele origin: germline. Affected: yes. Not counted in ClinVar's aggregate classification.
Comment: Functional studies demonstrate that G13C alters GTP and GDP dissociation rates resulting in increased active GTP-bound HRAS, which upregulates the Ras/MAPK pathway (Wey et al., 2013); The majority of missense variants in this gene are considered pathogenic (HGMD); Not observed at significant frequency in large population cohorts (gnomAD); This variant is associated with the following publications: (PMID: 23093928, 16372351, 24803665, 24224811, 16329078, 21438134, 19213030, 28337834, 28973083, 28371260, 16835863, 33240318, 33482860, 29493581)

Fulgent Genetics
Classification: Pathogenic for Malignant tumor of urinary bladder; Large congenital melanocytic nevus; Epidermal nevus; Linear nevus sebaceous syndrome; Thyroid cancer, nonmedullary, 2; Costello syndrome. Last evaluated: 2018-10-31. Review status: criteria provided, single submitter. Criteria: ACMG Guidelines, 2015. Collection method: clinical testing. Allele origin: unknown. Not counted in ClinVar's aggregate classification.

Women's Health and Genetics/Laboratory Corporation of America, LabCorp
Classification: Pathogenic for Rasopathy. Last evaluated: 2018-09-24. Review status: criteria provided, single submitter. Criteria: LabCorp Variant Classification Summary - May 2015. Collection method: clinical testing. Allele origin: germline. Not counted in ClinVar's aggregate classification.
Comment: Variant summary: HRAS c.37G>T (p.Gly13Cys) results in a non-conservative amino acid change located in the Small GTP-binding protein domain of the encoded protein sequence. Four of five in-silico tools predict a damaging effect of the variant on protein function. The variant was absent in 276492 control chromosomes (gnomAD). c.37G>T has been reported in the literature in multiple individuals affected with Noonan Syndrome and Related Conditions and occurs at a codon that is known to be associated with disease (McCormick_2013, Gripp_2011). These data indicate that the variant is very likely to be associated with disease. To our knowledge, no experimental evidence demonstrating an impact on protein function has been reported. Four ClinVar submissions from clinical diagnostic laboratories (evaluation after 2014) cites the variant as likely pathogenic/pathogenic. Based on the evidence outlined above, the variant was classified as pathogenic.

Genome Diagnostics Laboratory, The Hospital for Sick Children
Classification: Pathogenic for Noonan syndrome and Noonan-related syndrome. Last evaluated: 2018-06-01. Review status: criteria provided, single submitter. Criteria: ACMG Guidelines, 2015. Collection method: clinical testing. Allele origin: germline. Affected: yes. Not counted in ClinVar's aggregate classification.

Molecular Diagnostics Lab, Nemours Children's Health, Delaware
Classification: Pathogenic for none provided. Last evaluated: 2014-06-04. Review status: criteria provided, single submitter. Criteria: ACMG Guidelines, 2015. Collection method: clinical testing. Allele origin: unknown. Affected: yes. Observed: 1 variant allele. Not counted in ClinVar's aggregate classification.

Laboratory for Molecular Medicine, Mass General Brigham Personalized Medicine
Classification: Pathogenic for Costello syndrome. Last evaluated: 2010-06-29. Review status: criteria provided, single submitter. Criteria: LMM Criteria. Collection method: clinical testing. Allele origin: germline. Inheritance: Autosomal dominant inheritance. Observed: 5 variant alleles. Not counted in ClinVar's aggregate classification.
Comment: The Gly13Cys variant has previously been associated with the clinical features o f Costello syndrome (Estep 2006, Gripp 2006, Kratz 2007). This variant has been shown to have occurred de novo in at least one individual. In summary, this vari ant meets our criteria to be classified as pathogenic (/LMM).

Lifecell International Pvt. Ltd
Classification: Likely pathogenic for Costello syndrome. Review status: criteria provided, single submitter. Criteria: ACMG Guidelines, 2015. Collection method: clinical testing. Allele origin: germline. Inheritance: Autosomal dominant inheritance. Affected: yes. Observed: 1 heterozygote. Not counted in ClinVar's aggregate classification.
Comment: A Heterozygous Missense variant c.37G>T in Exon 2 of the HRAS gene that results in the amino acid substitution p.Gly13Cys was identified. The observed variant is novel in gnomAD exomes and genomes, respectively. The severity of the impact of this variant on the protein is medium, based on the effect of the protein and REVEL score. Rare Exome Variant Ensemble Learner (REVEL) is an ensembl method for predicting the pathogenicity of missense variants based on a combination of scores from 13 individual tools: MutPred, FATHMM v2.3, VEST 3.0, PolyPhen-2, SIFT, PROVEAN, MutationAssessor, MutationTaster, LRT, GERP++, SiPhy, phyloP, and phastCons. The REVEL score for an individual missense variant can range from 0 to 1, with higher scores reflecting greater likelihood that the variant is disease-causing. ClinVar has also classified this variant as Pathogenic [Variation ID:12606]. The observed variation has been previously reported in patients affected with Costello syndrome (McCormick, Elizabeth M et al., 2013). For these reasons, this variant has been classified as Likely Pathogenic.

PreventionGenetics, part of Exact Sciences
Classification: Pathogenic for HRAS-related condition. Last evaluated: 2024-05-06. Review status: no assertion criteria provided. Collection method: clinical testing. Allele origin: germline. Not counted in ClinVar's aggregate classification.
Comment: The HRAS c.37G>T variant is predicted to result in the amino acid substitution p.Gly13Cys. This variant was reported in multiple individuals with Costello syndrome and in at least two individuals it was documented as de novo (see for example - Estep et al. 2006. PubMed ID: 16372351; Table e3, Meng et al. 2017. PubMed ID: 28973083; Table S1, Zhu et al. 2020. PubMed ID: 33240318). Functional studies found this variant impacts HRAS function (Cheng et al. 2012. PubMed ID: 23093928 ). This variant has not been reported in a large population database, indicating this variant is rare. This variant has been interpreted as pathogenic by ClinGen's RASopathy variant curation expert panel. Additionally, alternate missense variants (p.Gly13Arg, p.Gly13Asp, p.Gly13Val) have been reported as pathogenic (Sparks et al. 2020. PubMed ID: 33027564; Lefebvre et al. 2021. PubMed ID: 32732226). This variant is interpreted as pathogenic.

Solve-RD Consortium
Classification: Likely pathogenic for Linear nevus sebaceous syndrome. Last evaluated: 2022-06-01. Review status: no assertion criteria provided. Collection method: provider interpretation. Allele origin: inherited. Affected: yes. Not counted in ClinVar's aggregate classification.
Comment: Variant confirmed as disease-causing by referring clinical team

Variant identified during reanalysis of unsolved cases by the Solve-RD project. The Solve-RD project has received funding from the European Union’s Horizon 2020 research and innovation programme under grant agreement No 779257.

Clinical Molecular Genetics Laboratory, Johns Hopkins All Children's Hospital
Classification: Pathogenic for Noonan syndrome. Last evaluated: 2017-08-24. Review status: no assertion criteria provided. Collection method: clinical testing. Allele origin: germline. Affected: yes. Not counted in ClinVar's aggregate classification.

OMIM
Classification: Pathogenic for COSTELLO SYNDROME. Last evaluated: 2011-04-01. Review status: no assertion criteria provided. Collection method: literature only. Allele origin: germline. Not counted in ClinVar's aggregate classification.

Baylor Genetics
Classification: Pathogenic for Rasopathy. Review status: no assertion criteria provided. Collection method: clinical testing. Allele origin: unknown. Affected: yes. Not counted in ClinVar's aggregate classification.
Comment: Variant classified using ACMG guidelines

Joint Genome Diagnostic Labs from Nijmegen and Maastricht, Radboudumc and MUMC+
Classification: Pathogenic. Review status: no assertion criteria provided. Collection method: clinical testing. Allele origin: germline. Affected: yes. Study: VKGL Data-share Consensus. Not counted in ClinVar's aggregate classification.

Laboratory of Diagnostic Genome Analysis, Leiden University Medical Center (LUMC)
Classification: Pathogenic. Review status: no assertion criteria provided. Collection method: clinical testing. Allele origin: germline. Affected: yes. Study: VKGL Data-share Consensus. Not counted in ClinVar's aggregate classification.

Literature cited by the submitters: PubMed 16329078 (cited by 4 submitters); PubMed 21438134 (cited by 7 submitters); PubMed 29493581 (cited by ClinGen RASopathy Variant Curation Expert Panel); PubMed 16372351 (cited by 4 submitters); PubMed 21850009 (cited by Variantyx, Inc. and Labcorp Genetics (formerly Invitae), Labcorp); PubMed 18042262 (cited by Labcorp Genetics (formerly Invitae), Labcorp); PubMed 25326635 (cited by Baylor Genetics); PubMed 25705018 (cited by Institute for Genomic Medicine (IGM) Clinical Laboratory, Nationwide Children's Hospital); PubMed 26349418 (cited by Institute for Genomic Medicine (IGM) Clinical Laboratory, Nationwide Children's Hospital); PubMed 24436047 (cited by Institute for Genomic Medicine (IGM) Clinical Laboratory, Nationwide Children's Hospital); PubMed 23429430 (cited by Women's Health and Genetics/Laboratory Corporation of America, LabCorp and Lifecell International Pvt. Ltd); PubMed 168335863 (cited by Molecular Diagnostics Lab, Nemours Children's Health, Delaware); PubMed 19213030 (cited by Molecular Diagnostics Lab, Nemours Children's Health, Delaware and OMIM); PubMed 17211612 (cited by Laboratory for Molecular Medicine, Mass General Brigham Personalized Medicine); PubMed 39825153 (cited by Solve-RD Consortium); PubMed 16835863 (cited by OMIM); PubMed 21495179 (cited by Baylor Genetics).